The following is an entry in ClinVar:

ClinVar aggregate classification (germline): Pathogenic/Likely pathogenic. Review status: criteria provided, multiple submitters, no conflicts (2 of 4 stars). 2 submissions from 2 submitters: Pathogenic (1); Likely pathogenic (1). Last evaluated 2026-09-28.

Conditions:
3M syndrome 3. Also called: THREE M SYNDROME 3; 3-M Syndrome, CCDC8-Related. Identifiers: Orphanet 2616, MedGen C3280146, MONDO:0013627, OMIM 614205.

gnomAD v4.1: 3 of 1,599,300 alleles (0.00019%); highest among the groups gnomAD compares: South Asian, 0.0022%; no homozygotes.

Submissions (2):

Suma Genomics
Classification: Pathogenic for 3M syndrome 3. Last evaluated: 2026-09-28. Review status: criteria provided, single submitter. Criteria: ACMG Guidelines, 2015. Collection method: clinical testing. Allele origin: germline. Inheritance: Autosomal recessive inheritance. Affected: yes. Observed: 1 variant allele, 1 homozygote.
Comment: Biallelic loss-of-function variants in CCDC8 are associated with 3-M syndrome 3 (MIM# 614205). ACMG classification: Pathogenic Criteria met: PVS1, PM2_Supporting, PP1_Strong and PP4

CeGaT Center for Human Genetics Tuebingen
Classification: Likely pathogenic. Last evaluated: 2025-11-01. Review status: criteria provided, single submitter. Criteria: CeGaT Center For Human Genetics Tuebingen Variant Classification Criteria Version 2. Collection method: clinical testing. Allele origin: germline. Affected: yes. Observed: 3 variant alleles.
Comment: CCDC8: PVS1:Strong, PM2, PM3:Supporting

NM_032040.5(CCDC8):c.608G>A (p.Trp203Ter)

Gene: CCDC8 (coiled-coil domain containing 8 subunit of 3M complex; minus strand). Cytogenetic location: 19q13.32.
Variant type: single nucleotide variant.
Coding change: c.608G>A on transcript NM_032040.5 (MANE Select); coding-DNA position 608, G replaced by A.
Protein change: p.Trp203Ter; replaces tryptophan 203 with a stop codon.
Molecular consequence: nonsense.
Genome position (GRCh38, 1-based): chr19:46,412,203, C>T on the plus strand (G>A on the coding strand, the complement: CCDC8 is on the minus strand). VCF-style: chr19-46412203-C-T. GRCh37 (hg19) VCF-style: chr19-46915460-C-T.
Other names: short protein forms W203*.
Identifiers: ClinVar variation 4535004 (VCV004535004.7).
Genomic context (GRCh38, chr19:46,412,203, plus strand): 5'-TCGCCCACCCCGGGGCCCGCCCTCGGCGCCCAACCCTTCACCCTCCGCTTCAGCTTCCCC[C>T]AGGACACCTGGCTGACATACTCCCGCCACCTGTCCGCTTTGGACAGCTGAGGCCCCAGGT-3'